The following is an entry in ClinVar:

ClinVar aggregate classification (germline): Uncertain significance. Review status: criteria provided, multiple submitters, no conflicts (2 of 4 stars). 5 submissions from 5 submitters: Uncertain significance (4). 1 of the submissions does not count toward it. Last evaluated 2026-02-13.

Conditions:
MYO7A-related disorder. Also called: MYO7A-related disorders.
Usher syndrome type 1B (USH1B). Also called: Usher syndrome type IB. Identifiers: MedGen C1848638, MONDO:0700087.

Allele frequency attached by ClinVar (database versions not stated): ESP Exome Variant Server 0.00008; gnomAD 0.00008; gnomAD exomes 0.00008 and 0.00014; ExAC 0.00010; TOPMed 0.00010; 1000 Genomes Project 30x 0.00016; 1000 Genomes Project 0.00020.
gnomAD v4.1: 212 of 1,608,204 alleles (0.013%); highest among the groups gnomAD compares: Non-Finnish European, 0.017%; no homozygotes.

Submissions (5):

PreventionGenetics, part of Exact Sciences
Classification: Uncertain significance for MYO7A-related condition. Last evaluated: 2026-02-13. Review status: criteria provided, single submitter. Criteria: ACMG Guidelines, 2015. Collection method: clinical testing. Allele origin: germline.
Comment: The MYO7A c.4387C>T variant is predicted to result in the amino acid substitution p.Arg1463Cys. To our knowledge, this variant has not been reported in the literature. This variant is reported in 0.013% of alleles in individuals of European (Non-Finnish) descent in gnomAD. At this time, the clinical significance of this variant is uncertain due to the absence of conclusive functional and genetic evidence.

Labcorp Genetics (formerly Invitae), Labcorp
Classification: Uncertain significance. Last evaluated: 2025-11-08. Review status: criteria provided, single submitter. Criteria: Invitae Variant Classification Sherloc (09022015). Collection method: clinical testing. Allele origin: germline.
Comment: This sequence change replaces arginine, which is basic and polar, with cysteine, which is neutral and slightly polar, at codon 1463 of the MYO7A protein (p.Arg1463Cys). This variant is present in population databases (rs202111392, gnomAD 0.01%). This variant has not been reported in the literature in individuals affected with MYO7A-related conditions. ClinVar contains an entry for this variant (Variation ID: 851288). Invitae Evidence Modeling of protein sequence and biophysical properties (such as structural, functional, and spatial information, amino acid conservation, physicochemical variation, residue mobility, and thermodynamic stability) has been performed for this missense variant. However, the output from this modeling did not meet the statistical confidence thresholds required to predict the impact of this variant on MYO7A protein function. In summary, the available evidence is currently insufficient to determine the role of this variant in disease. Therefore, it has been classified as a Variant of Uncertain Significance.

GeneDx
Classification: Uncertain significance. Last evaluated: 2024-05-01. Review status: criteria provided, single submitter. Criteria: GeneDx Variant Classification Process June 2021. Collection method: clinical testing. Allele origin: germline. Affected: yes.
Comment: In silico analysis supports that this missense variant has a deleterious effect on protein structure/function; Has not been previously published as pathogenic or benign to our knowledge

Blueprint Genetics
Classification: Uncertain significance. Last evaluated: 2023-09-08. Review status: criteria provided, single submitter. Criteria: ACMG Guidelines, 2015. Collection method: clinical testing. Allele origin: germline.

Natera, Inc.
Classification: Uncertain significance for Usher syndrome type 1B. Last evaluated: 2020-04-16. Review status: no assertion criteria provided. Collection method: clinical testing. Allele origin: germline. Not counted in ClinVar's aggregate classification.

NM_000260.4(MYO7A):c.4387C>T (p.Arg1463Cys)

Gene: MYO7A (myosin VIIA; plus strand). Cytogenetic location: 11q13.5.
Variant type: single nucleotide variant.
Coding change: c.4387C>T on transcript NM_000260.4 (MANE Select); coding-DNA position 4387, C replaced by T.
Protein change: p.Arg1463Cys; replaces arginine 1463 with cysteine.
Molecular consequence: missense variant.
Genome position (GRCh38, 1-based): chr11:77,197,544, C>T. VCF-style: chr11-77197544-C-T. GRCh37 (hg19) VCF-style: chr11-76908589-C-T.
Other names: c.4387C>T, p.Arg1463Cys (NM_001127180.2); c.4354C>T, p.Arg1452Cys (NM_001369365.1); short protein forms R1452C, R1463C.
Identifiers: ClinVar variation 851288 (VCV000851288.10), dbSNP rs202111392, ClinGen allele CA6198434.